The following is an entry in ClinVar:

NM_000075.4(CDK4):c.843C>T (p.His281=)

Genes: CDK4 (cyclin dependent kinase 4; minus strand), TSPAN31 (tetraspanin 31; plus strand). Cytogenetic location: 12q14.1.
Variant type: single nucleotide variant.
Coding change: c.843C>T on transcript NM_000075.4 (MANE Select); coding-DNA position 843, C replaced by T.
Protein change: p.His281=; no amino-acid change (histidine 281 retained).
Molecular consequence: synonymous variant. On other transcripts: 3 prime UTR variant (3).
Genome position (GRCh38, 1-based): chr12:57,748,594, G>A on the plus strand (C>T on the coding strand, the complement: CDK4 is on the minus strand). VCF-style: chr12-57748594-G-A. GRCh37 (hg19) VCF-style: chr12-58142377-G-A.
Other names: c.*1304G>A (NM_001330168.2, NM_001330169.2, NM_005981.5).
Identifiers: ClinVar variation 414923 (VCV000414923.17), dbSNP rs750061873, ClinGen allele CA6657626.

ClinVar aggregate classification (germline): Benign/Likely benign. Review status: criteria provided, multiple submitters, no conflicts (2 of 4 stars). 3 submissions from 3 submitters: Benign (1); Likely benign (2). Last evaluated 2025-07-06.

Conditions:
Familial melanoma. Also called: Hereditary melanoma; Hereditary cutaneous melanoma. Identifiers: Orphanet 618, MedGen C1512419, MONDO:0018961.
Hereditary cancer-predisposing syndrome. Also called: Tumor predisposition; Neoplastic Syndromes, Hereditary; Hereditary neoplastic syndrome; Hereditary Cancer Syndrome. Identifiers: Orphanet 140162, MedGen C0027672, MeSH D009386, MONDO:0015356.
Melanoma, cutaneous malignant, susceptibility to, 3. Also called: Cutaneous malignant melanoma 3. Identifiers: Orphanet 618, MedGen C1836892, MONDO:0012183, OMIM 609048.

Allele frequency attached by ClinVar (database versions not stated): gnomAD exomes 0.00001; ExAC 0.00002.
gnomAD v4.1: 6 of 1,613,812 alleles (0.00037%); highest among the groups gnomAD compares: Non-Finnish European, 0.00051%; no homozygotes.

Submissions (3):

Labcorp Genetics (formerly Invitae), Labcorp
Classification: Likely benign for Familial melanoma. Last evaluated: 2025-07-06. Review status: criteria provided, single submitter. Criteria: Invitae Variant Classification Sherloc (09022015). Collection method: clinical testing. Allele origin: germline.

Myriad Genetics, Inc.
Classification: Benign for Melanoma, cutaneous malignant, susceptibility to, 3. Last evaluated: 2024-09-27. Review status: criteria provided, single submitter. Criteria: Myriad Autosomal Dominant, Autosomal Recessive and X-Linked Classification Criteria (2023). Collection method: clinical testing. Allele origin: unknown.
Comment: This variant is considered benign. This variant is a silent/synonymous amino acid change and it is not expected to impact splicing.

Ambry Genetics
Classification: Likely benign for Hereditary cancer-predisposing syndrome. Last evaluated: 2015-04-07. Review status: criteria provided, single submitter. Criteria: Ambry Variant Classification Scheme 2023. Collection method: clinical testing. Allele origin: germline.